The following is an entry in ClinVar:

ClinVar aggregate classification (germline): Uncertain significance. Review status: criteria provided, multiple submitters, no conflicts (2 of 4 stars). 2 submissions from 2 submitters: Uncertain significance (2). Last evaluated 2022-04-25.

Conditions:
Inborn genetic diseases. Identifiers: MedGen C0950123, MeSH D030342.

Allele frequency attached by ClinVar (database versions not stated): gnomAD 0.00001; TOPMed 0.00001.
gnomAD v4.1: 1 of 1,612,592 alleles (0.000062%); highest among the groups gnomAD compares: African/African-American, 0.0013%; no homozygotes.

Submissions (2):

Ambry Genetics
Classification: Uncertain significance for Inborn genetic diseases. Last evaluated: 2022-04-25. Review status: criteria provided, single submitter. Criteria: Ambry Variant Classification Scheme 2023. Collection method: clinical testing. Allele origin: germline.

Labcorp Genetics (formerly Invitae), Labcorp
Classification: Uncertain significance. Last evaluated: 2020-01-27. Review status: criteria provided, single submitter. Criteria: Invitae Variant Classification Sherloc (09022015). Collection method: clinical testing. Allele origin: germline.
Comment: In summary, the available evidence is currently insufficient to determine the role of this variant in disease. Therefore, it has been classified as a Variant of Uncertain Significance. Algorithms developed to predict the effect of missense changes on protein structure and function are either unavailable or do not agree on the potential impact of this missense change (SIFT: "Not Available"; PolyPhen-2: "Probably Damaging"; Align-GVGD: "Not Available"). This variant has not been reported in the literature in individuals with FN1-related conditions. This variant is not present in population databases (ExAC no frequency). This sequence change replaces threonine with isoleucine at codon 1351 of the FN1 protein (p.Thr1351Ile). The threonine residue is moderately conserved and there is a moderate physicochemical difference between threonine and isoleucine.

NM_212482.4(FN1):c.4052C>T (p.Thr1351Ile)

Gene: FN1 (fibronectin 1; minus strand). Cytogenetic location: 2q35.
Variant type: single nucleotide variant.
Coding change: c.4052C>T on transcript NM_212482.4 (MANE Select); coding-DNA position 4052, C replaced by T.
Protein change: p.Thr1351Ile; replaces threonine 1351 with isoleucine.
Molecular consequence: missense variant. On other transcripts: intron variant (10).
Genome position (GRCh38, 1-based): chr2:215,392,948, G>A on the plus strand (C>T on the coding strand, the complement: FN1 is on the minus strand). VCF-style: chr2-215392948-G-A. GRCh37 (hg19) VCF-style: chr2-216257671-G-A.
Other names: c.4052C>T, p.Thr1351Ile (NM_001306129.2, NM_001306130.2, NM_001365517.2 and 3 more transcripts); c.3797-1134C>T (NM_212474.3, NM_001306132.2, NM_001365523.2 and 7 more transcripts); c.4052C>T (NM_212482.1); short protein forms T1351I.
Identifiers: ClinVar variation 1053230 (VCV001053230.10), dbSNP rs920069022, ClinGen allele CA64862275.